The following is an entry in ClinVar:

ClinVar aggregate classification (germline): Uncertain significance (1 of 4 stars; one submission).

Conditions:
Intellectual developmental disorder, autosomal dominant 6, with or without seizures. Also called: GRIN2B-related developmental delay, intellectual disability and autism spectrum disorder; Intellectual disability, autosomal dominant 6. Identifiers: Orphanet 589547, MedGen C3151411, MONDO:0013509, OMIM 613970.
Developmental and epileptic encephalopathy, 27 (DEE27). Also called: GRIN2B-Related Neurodevelopmental Disorder; Epileptic encephalopathy, early infantile, 27. Identifiers: Orphanet 3451, MedGen C4015316, MONDO:0014505, OMIM 616139.

Submission:

Labcorp Genetics (formerly Invitae), Labcorp
Classification: Uncertain significance for Developmental and epileptic encephalopathy, 27; Intellectual developmental disorder, autosomal dominant 6, with or without seizures. Last evaluated: 2022-08-23. Review status: criteria provided, single submitter. Criteria: Invitae Variant Classification Sherloc (09022015). Collection method: clinical testing. Allele origin: germline.
Comment: In summary, the available evidence is currently insufficient to determine the role of this variant in disease. Therefore, it has been classified as a Variant of Uncertain Significance. Algorithms developed to predict the effect of missense changes on protein structure and function are either unavailable or do not agree on the potential impact of this missense change (SIFT: "Deleterious"; PolyPhen-2: "Probably Damaging"; Align-GVGD: "Class C0"). This variant has not been reported in the literature in individuals affected with GRIN2B-related conditions. This variant is not present in population databases (gnomAD no frequency). This sequence change replaces serine, which is neutral and polar, with arginine, which is basic and polar, at codon 1374 of the GRIN2B protein (p.Ser1374Arg).

NM_000834.5(GRIN2B):c.4122C>A (p.Ser1374Arg)

Gene: GRIN2B (glutamate ionotropic receptor NMDA type subunit 2B; minus strand). Cytogenetic location: 12p13.1.
Variant type: single nucleotide variant.
Coding change: c.4122C>A on transcript NM_000834.5 (MANE Select); coding-DNA position 4122, C replaced by A.
Protein change: p.Ser1374Arg; replaces serine 1374 with arginine.
Molecular consequence: missense variant.
Genome position (GRCh38, 1-based): chr12:13,563,116, G>T on the plus strand (C>A on the coding strand, the complement: GRIN2B is on the minus strand). VCF-style: chr12-13563116-G-T. GRCh37 (hg19) VCF-style: chr12-13716050-G-T.
Other names: short protein forms S1374R.
Identifiers: ClinVar variation 1717882 (VCV001717882.6), dbSNP rs2497465421, ClinGen allele CA383986493.